The following is an entry in ClinVar:

ClinVar aggregate classification (germline): Pathogenic (1 of 4 stars; one submission).

Conditions:
Brachyolmia-amelogenesis imperfecta syndrome. Also called: Tooth agenesis, selective, 6; Dental anomalies and short stature; PLATYSPONDYLY WITH AMELOGENESIS IMPERFECTA. Identifiers: Orphanet 2899, MedGen C1832594, MONDO:0011018, OMIM 601216. Disease mechanism: loss of function.

Submission:

Labcorp Genetics (formerly Invitae), Labcorp
Classification: Pathogenic for Brachyolmia-amelogenesis imperfecta syndrome. Last evaluated: 2025-05-27. Review status: criteria provided, single submitter. Criteria: Invitae Variant Classification Sherloc (09022015). Collection method: clinical testing. Allele origin: germline.
Comment: This sequence change creates a premature translational stop signal (p.Gly646Alafs*16) in the LTBP3 gene. It is expected to result in an absent or disrupted protein product. Loss-of-function variants in LTBP3 are known to be pathogenic (PMID: 11790802, 19344874, 25669657). This variant is present in population databases (no rsID available, gnomAD 0.001%). This variant has not been reported in the literature in individuals affected with LTBP3-related conditions. ClinVar contains an entry for this variant (Variation ID: 1412679). For these reasons, this variant has been classified as Pathogenic.

Literature cited by the submitters: PubMed 11790802; PubMed 19344874; PubMed 25669657.

NM_001130144.3(LTBP3):c.1937del (p.Gly646fs)

Genes: LTBP3 (latent transforming growth factor beta binding protein 3; minus strand), LOC130006032 (ATAC-STARR-seq lymphoblastoid silent region 3535; plus strand). Cytogenetic location: 11q13.1.
Variant type: Deletion.
Coding change: c.1937del on transcript NM_001130144.3 (MANE Select); coding-DNA position 1937, one base deleted (G; older notation c.1937delG).
Protein change: p.Gly646fs; shifts the reading frame from glycine 646.
Molecular consequence: frameshift variant.
Genome position (GRCh38, 1-based): chr11:65,547,731, C deleted on the plus strand (G on the coding strand, the reverse complement: LTBP3 is on the minus strand); the first of 2 consecutive C bases (chr11:65,547,731-65,547,732); deleting either gives the same sequence. VCF-style (leftmost placement, unchanged base first): chr11-65547730-GC-G. GRCh37 (hg19) VCF-style: chr11-65315201-GC-G.
Other names: c.1586del, p.Gly529fs (NM_001164266.1); c.1937del, p.Gly646fs (NM_021070.4); short protein forms G529fs, G646fs.
Identifiers: ClinVar variation 1412679 (VCV001412679.6), dbSNP rs1347418307, ClinGen allele CA600226898.